The following is an entry in ClinVar:

ClinVar aggregate classification (germline): Likely benign (1 of 4 stars; one submission).

Submission:

CeGaT Center for Human Genetics Tuebingen
Classification: Likely benign. Last evaluated: 2022-04-01. Review status: criteria provided, single submitter. Criteria: CeGaT Center For Human Genetics Tuebingen Variant Classification Criteria Version 2. Collection method: clinical testing. Allele origin: germline. Affected: yes. Observed: 1 variant allele.
Comment: PCM1: PM2:Supporting, BP4, BP7

NM_006197.4(PCM1):c.4908T>C (p.Asp1636=)

Gene: PCM1 (pericentriolar material 1; plus strand). Cytogenetic location: 8p22.
Variant type: single nucleotide variant.
Coding change: c.4908T>C on transcript NM_006197.4 (MANE Select); coding-DNA position 4908, T replaced by C.
Protein change: p.Asp1636=; no amino-acid change (aspartic acid 1636 retained).
Molecular consequence: synonymous variant. On other transcripts: non-coding transcript variant (1).
Genome position (GRCh38, 1-based): chr8:18,006,343, T>C. VCF-style: chr8-18006343-T-C. GRCh37 (hg19) VCF-style: chr8-17863852-T-C.
Other names: c.4743T>C, p.Asp1581= (NM_001352642.2, NM_001352644.2, NM_001352645.2); c.4719T>C, p.Asp1573= (NM_001352646.2, NM_001352647.2); c.4722T>C, p.Asp1574= (NM_001352648.2, NM_001352649.2); c.5025T>C, p.Asp1675= (NM_001352650.2, NM_001352651.2); c.4908T>C, p.Asp1636= (NM_001352652.2, NM_001352653.2); c.4884T>C, p.Asp1628= (NM_001315507.2); c.4746T>C, p.Asp1582= (NM_001315508.2, NM_001352640.2); c.5037T>C, p.Asp1679= (NM_001352632.2); and 8 more.
Identifiers: ClinVar variation 2658453 (VCV002658453.24), dbSNP rs2537323233, ClinGen allele CA459662145.
Genomic context (GRCh38, chr8:18,006,343, plus strand): 5'-CTCCTCGCAGCTTCTAACTTCAGTAAGGCGCATGGTTTTGACCCTTACCCAGCAAAATGA[T>C]GAGAGCAAAGAGTTTGTAAAGTTCTTTCATAAACAACTTGGAAGTATATTACAGGTAAGA-3'
Protein context (NP_006188.4, residues 1626-1646): RMVLTLTQQN[Asp1636=]ESKEFVKFFH